The following is an entry in ClinVar:

ClinVar aggregate classification (germline): Benign. Review status: criteria provided, multiple submitters, no conflicts (2 of 4 stars). 3 submissions from 3 submitters: Benign (3). Last evaluated 2018-07-09.

Conditions:
CEDNIK syndrome. Also called: CEREBRAL DYSGENESIS, NEUROPATHY, ICHTHYOSIS, AND PALMOPLANTAR KERATODERMA SYNDROME; Cerebral dysgenesis, neuropathy, ichthyosis, and palmoplantar keratoderma. Identifiers: Orphanet 66631, MedGen C1836033, MONDO:0012290, OMIM 609528.

Allele frequency attached by ClinVar (database versions not stated): gnomAD 0.06934 and 0.06922; gnomAD exomes 0.06984; 1000 Genomes Project 0.07029; TOPMed 0.06805; 1000 Genomes Project 30x 0.07230.
gnomAD v4.1: 68,649 of 986,578 alleles (7%); highest among the groups gnomAD compares: Non-Finnish European, 7.4%; 2,469 homozygotes.

Submissions (3):

GeneDx
Classification: Benign. Last evaluated: 2018-07-09. Review status: criteria provided, single submitter. Criteria: GeneDx Variant Classification Process June 2021. Collection method: clinical testing. Allele origin: germline. Affected: yes.

Illumina Laboratory Services, Illumina
Classification: Benign for CEDNIK syndrome. Last evaluated: 2018-01-12. Review status: criteria provided, single submitter. Criteria: ICSL Variant Classification Criteria 13 December 2019. Collection method: clinical testing. Allele origin: germline.
Comment: This variant was observed in the ICSL laboratory as part of a predisposition screen in an ostensibly healthy population. It had not been previously curated by ICSL or reported in the Human Gene Mutation Database (HGMD: prior to June 1st, 2018), and was therefore a candidate for classification through an automated scoring system. Utilizing variant allele frequency, disease prevalence and penetrance estimates, and inheritance mode, an automated score was calculated to assess if this variant is too frequent to cause the disease. Based on the score and internal cut-off values, a variant classified as benign is not then subjected to further curation. The score for this variant resulted in a classification of benign for this disease.

Breakthrough Genomics
Classification: Benign. Review status: criteria provided, single submitter. Criteria: ACMG Guidelines, 2015. Collection method: not provided. Allele origin: germline. Inheritance: Autosomal recessive inheritance. Affected: yes.

NM_004782.4(SNAP29):c.*123G>C

Gene: SNAP29 (synaptosome associated protein 29; plus strand). Cytogenetic location: 22q11.21.
Variant type: single nucleotide variant.
Coding change: c.*123G>C on transcript NM_004782.4 (MANE Select); 123 bases downstream of the stop codon, G replaced by C.
Molecular consequence: 3 prime UTR variant.
Genome position (GRCh38, 1-based): chr22:20,887,959, G>C. VCF-style: chr22-20887959-G-C. GRCh37 (hg19) VCF-style: chr22-21242247-G-C.
Identifiers: ClinVar variation 340838 (VCV000340838.7), dbSNP rs3171741, ClinGen allele CA10650892.